The following is an entry in ClinVar:

NM_001142800.2(EYS):c.-361C>T

Gene: EYS (EGF-like photoreceptor maintenance factor; minus strand). Cytogenetic location: 6q12.
Variant type: single nucleotide variant.
Coding change: c.-361C>T on transcript NM_001142800.2 (MANE Select); 361 bases upstream of the start codon, C replaced by T.
Molecular consequence: 5 prime UTR variant.
Genome position (GRCh38, 1-based): chr6:65,639,806, G>A on the plus strand (C>T on the coding strand, the complement: EYS is on the minus strand). VCF-style: chr6-65639806-G-A. GRCh37 (hg19) VCF-style: chr6-66349699-G-A.
Other names: c.-361C>T (NM_001142801.2, NM_001292009.2).
Identifiers: ClinVar variation 3640023 (VCV003640023.2).

ClinVar aggregate classification (germline): Uncertain significance (1 of 4 stars; one submission).

Submission:

Labcorp Genetics (formerly Invitae), Labcorp
Classification: Uncertain significance. Last evaluated: 2024-07-27. Review status: criteria provided, single submitter. Criteria: Invitae Variant Classification Sherloc (09022015). Collection method: clinical testing. Allele origin: germline.
Comment: This variant occurs in a non-coding region of the EYS gene. It does not change the encoded amino acid sequence of the EYS protein. This variant is not present in population databases (gnomAD no frequency). This variant has not been reported in the literature in individuals affected with EYS-related conditions. In summary, the available evidence is currently insufficient to determine the role of this variant in disease. Therefore, it has been classified as a Variant of Uncertain Significance.